The following is an entry in ClinVar:

NM_001184.4(ATR):c.1491_1492insAA (p.Gln498fs)

Gene: ATR (ATR checkpoint kinase; minus strand). Cytogenetic location: 3q23.
Variant type: Insertion.
Coding change: c.1491_1492insAA on transcript NM_001184.4 (MANE Select); coding-DNA positions 1491 to 1492, AA inserted.
Protein change: p.Gln498fs; shifts the reading frame from glutamine 498.
Molecular consequence: frameshift variant. On other transcripts: intron variant (1).
Genome position: GRCh38 VCF-style: chr3-142560312-G-GTT. GRCh37 (hg19) VCF-style: chr3-142279154-G-GTT.
Other names: c.1350-872_1350-871insAA (NM_001354579.2); short protein forms Q498fs.
Identifiers: ClinVar variation 2436271 (VCV002436271.6), dbSNP rs1417190717, ClinGen allele CA546894075.
Genomic context (GRCh38, chr3:142,560,312, plus strand): 5'-GTTTGTTTTACCAGTTCATGTTTTGATGAGAACAATGAACAGTACACAGAGCAGTCAGTT[G>GTT]TAAGACAACAGCAATTCCTTCTAACATCTCAATAACAGGATTCTTTAGGCCACTGTATTC-3'

ClinVar aggregate classification (germline): Pathogenic/Likely pathogenic. Review status: criteria provided, multiple submitters, no conflicts (2 of 4 stars). 2 submissions from 2 submitters: Pathogenic (1); Likely pathogenic (1). Last evaluated 2023-11-28.

Submissions (2):

Labcorp Genetics (formerly Invitae), Labcorp
Classification: Pathogenic. Last evaluated: 2023-11-28. Review status: criteria provided, single submitter. Criteria: Invitae Variant Classification Sherloc (09022015). Collection method: clinical testing. Allele origin: germline.
Comment: This sequence change creates a premature translational stop signal (p.Gln498Asnfs*3) in the ATR gene. It is expected to result in an absent or disrupted protein product. Loss-of-function variants in ATR are known to be pathogenic (PMID: 21228398, 23144622). This variant is present in population databases (no rsID available, gnomAD 0.0009%). This variant has not been reported in the literature in individuals affected with ATR-related conditions. ClinVar contains an entry for this variant (Variation ID: 2436271). Algorithms developed to predict the effect of sequence changes on RNA splicing suggest that this variant may disrupt the consensus splice site. For these reasons, this variant has been classified as Pathogenic.

Revvity Omics, Revvity
Classification: Likely pathogenic. Last evaluated: 2022-11-04. Review status: criteria provided, single submitter. Criteria: ACMG Guidelines, 2015. Collection method: clinical testing. Allele origin: germline.

Literature cited by the submitters: PubMed 21228398 (cited by Labcorp Genetics (formerly Invitae), Labcorp); PubMed 23144622 (cited by Labcorp Genetics (formerly Invitae), Labcorp).